The following is an entry in ClinVar:

ClinVar aggregate classification (germline): Uncertain significance. Review status: criteria provided, multiple submitters, no conflicts (2 of 4 stars). 2 submissions from 2 submitters: Uncertain significance (2). Last evaluated 2024-03-18.

Conditions:
Hereditary spastic paraplegia 8 (SPG8). Also called: SPASTIC PARAPLEGIA 8, AUTOSOMAL DOMINANT. Identifiers: Orphanet 100989, MedGen C1863704, MONDO:0011339, OMIM 603563.
Ritscher-Schinzel syndrome. Also called: CRANIOCEREBELLOCARDIAC DYSPLASIA. Identifiers: Orphanet 7, MedGen C0796137, MONDO:0019078.
Inborn genetic diseases. Identifiers: MedGen C0950123, MeSH D030342.

Allele frequency attached by ClinVar (database versions not stated): gnomAD exomes 0.00001; gnomAD 0.00005; ESP Exome Variant Server 0.00015; 1000 Genomes Project 30x 0.00016; 1000 Genomes Project 0.00020; ExAC 0.00002; TOPMed 0.00006.
gnomAD v4.1: 16 of 1,614,010 alleles (0.00099%); highest among the groups gnomAD compares: African/African-American, 0.021%; no homozygotes.

Submissions (2):

Labcorp Genetics (formerly Invitae), Labcorp
Classification: Uncertain significance for Ritscher-Schinzel syndrome; Hereditary spastic paraplegia 8. Last evaluated: 2024-03-18. Review status: criteria provided, single submitter. Criteria: Invitae Variant Classification Sherloc (09022015). Collection method: clinical testing. Allele origin: germline.
Comment: This sequence change replaces isoleucine, which is neutral and non-polar, with threonine, which is neutral and polar, at codon 758 of the WASHC5 protein (p.Ile758Thr). This variant is present in population databases (rs184833599, gnomAD 0.02%). This variant has not been reported in the literature in individuals affected with WASHC5-related conditions. ClinVar contains an entry for this variant (Variation ID: 2227429). Advanced modeling of protein sequence and biophysical properties (such as structural, functional, and spatial information, amino acid conservation, physicochemical variation, residue mobility, and thermodynamic stability) performed at Invitae indicates that this missense variant is expected to disrupt WASHC5 protein function with a positive predictive value of 80%. In summary, the available evidence is currently insufficient to determine the role of this variant in disease. Therefore, it has been classified as a Variant of Uncertain Significance.

Ambry Genetics
Classification: Uncertain significance for Inborn genetic diseases. Last evaluated: 2021-06-11. Review status: criteria provided, single submitter. Criteria: Ambry Variant Classification Scheme 2023. Collection method: clinical testing. Allele origin: germline.

NM_014846.4(WASHC5):c.2273T>C (p.Ile758Thr)

Gene: WASHC5 (WASH complex subunit 5; minus strand). Cytogenetic location: 8q24.13.
Variant type: single nucleotide variant.
Coding change: c.2273T>C on transcript NM_014846.4 (MANE Select); coding-DNA position 2273, T replaced by C.
Protein change: p.Ile758Thr; replaces isoleucine 758 with threonine.
Molecular consequence: missense variant.
Genome position (GRCh38, 1-based): chr8:125,049,112, A>G on the plus strand (T>C on the coding strand, the complement: WASHC5 is on the minus strand). VCF-style: chr8-125049112-A-G. GRCh37 (hg19) VCF-style: chr8-126061354-A-G.
Other names: c.1829T>C, p.Ile610Thr (NM_001330609.2); short protein forms I758T, I610T.
Identifiers: ClinVar variation 2227429 (VCV002227429.5), dbSNP rs184833599, ClinGen allele CA4873563.